The following is an entry in ClinVar:

ClinVar aggregate classification (germline): Uncertain significance (1 of 4 stars; one submission).

Conditions:
Oligodontia-cancer predisposition syndrome. Also called: TOOTH AGENESIS-COLORECTAL CANCER SYNDROME. Identifiers: Orphanet 300576, MedGen C1837750, MONDO:0012075, OMIM 608615. Disease mechanism: loss of function.

Submission:

Labcorp Genetics (formerly Invitae), Labcorp
Classification: Uncertain significance for Oligodontia-cancer predisposition syndrome. Last evaluated: 2025-10-01. Review status: criteria provided, single submitter. Criteria: Invitae Variant Classification Sherloc (09022015). Collection method: clinical testing. Allele origin: germline.
Comment: This sequence change replaces methionine, which is neutral and non-polar, with threonine, which is neutral and polar, at codon 312 of the AXIN2 protein (p.Met312Thr). This variant is not present in population databases (gnomAD no frequency). This variant has not been reported in the literature in individuals affected with AXIN2-related conditions. ClinVar contains an entry for this variant (Variation ID: 1713897). Invitae Evidence Modeling of protein sequence and biophysical properties (such as structural, functional, and spatial information, amino acid conservation, physicochemical variation, residue mobility, and thermodynamic stability) indicates that this missense variant is not expected to disrupt AXIN2 protein function with a negative predictive value of 80%. In summary, the available evidence is currently insufficient to determine the role of this variant in disease. Therefore, it has been classified as a Variant of Uncertain Significance.

NM_004655.4(AXIN2):c.935T>C (p.Met312Thr)

Gene: AXIN2 (axin 2; minus strand). Cytogenetic location: 17q24.1.
Variant type: single nucleotide variant.
Coding change: c.935T>C on transcript NM_004655.4 (MANE Select); coding-DNA position 935, T replaced by C.
Protein change: p.Met312Thr; replaces methionine 312 with threonine.
Molecular consequence: missense variant.
Genome position (GRCh38, 1-based): chr17:65,549,541, A>G on the plus strand (T>C on the coding strand, the complement: AXIN2 is on the minus strand). VCF-style: chr17-65549541-A-G. GRCh37 (hg19) VCF-style: chr17-63545659-A-G.
Other names: c.935T>C, p.Met312Thr (NM_001363813.1); short protein forms M312T.
Identifiers: ClinVar variation 1713897 (VCV001713897.5), dbSNP rs2144537889, ClinGen allele CA400679462.